The following is an entry in ClinVar:

ClinVar aggregate classification (germline): Likely benign (1 of 4 stars; one submission).

Submission:

CeGaT Center for Human Genetics Tuebingen
Classification: Likely benign. Last evaluated: 2026-05-01. Review status: criteria provided, single submitter. Criteria: CeGaT Center For Human Genetics Tuebingen Variant Classification Criteria Version 2. Collection method: clinical testing. Allele origin: germline. Affected: yes. Observed: 1 variant allele.
Comment: RHOBTB2: PM2:Supporting, BP4, BP7

NM_015178.3(RHOBTB2):c.1410T>C (p.Asn470=)

Gene: RHOBTB2 (Rho related BTB domain containing 2; plus strand). Cytogenetic location: 8p21.3.
Variant type: single nucleotide variant.
Coding change: c.1410T>C on transcript NM_015178.3 (MANE Select); coding-DNA position 1410, T replaced by C.
Protein change: p.Asn470=; no amino-acid change (asparagine 470 retained).
Molecular consequence: synonymous variant.
Genome position (GRCh38, 1-based): chr8:23,007,655, T>C. VCF-style: chr8-23007655-T-C. GRCh37 (hg19) VCF-style: chr8-22865168-T-C.
Other names: c.1476T>C, p.Asn492= (NM_001160036.2); c.1431T>C, p.Asn477= (NM_001160037.2); c.1410T>C, p.Asn470= (NM_001374791.1).
Identifiers: ClinVar variation 4872812 (VCV004872812.2).